The following is an entry in ClinVar:

NM_001352514.2(HLCS):c.*1484A>G

Gene: HLCS (holocarboxylase synthetase; minus strand). Cytogenetic location: 21q22.13.
Variant type: single nucleotide variant.
Coding change: c.*1484A>G on transcript NM_001352514.2 (MANE Select); 1484 bases downstream of the stop codon, A replaced by G.
Molecular consequence: 3 prime UTR variant. On other transcripts: non-coding transcript variant (2).
Genome position (GRCh38, 1-based): chr21:36,752,762, T>C on the plus strand (A>G on the coding strand, the complement: HLCS is on the minus strand). VCF-style: chr21-36752762-T-C. GRCh37 (hg19) VCF-style: chr21-38125063-T-C.
Other names: c.*1484A>G (NM_000411.8, NM_001242784.3, NM_001242785.2 and 4 more transcripts).
Identifiers: ClinVar variation 339941 (VCV000339941.5), dbSNP rs78926199, ClinGen allele CA10650471.

ClinVar aggregate classification (germline): Benign (1 of 4 stars; one submission).

Conditions:
Holocarboxylase synthetase deficiency. Also called: MULTIPLE CARBOXYLASE DEFICIENCY, EARLY ONSET. Identifiers: Orphanet 79242, MedGen C0268581, MONDO:0009666, OMIM 253270.

Allele frequency attached by ClinVar (database versions not stated): gnomAD 0.01839 and 0.01946; TOPMed 0.02075; 1000 Genomes Project 0.02556; 1000 Genomes Project 30x 0.02920.

Submission:

Illumina Laboratory Services, Illumina
Classification: Benign for Holocarboxylase synthetase deficiency. Last evaluated: 2018-01-13. Review status: criteria provided, single submitter. Criteria: ICSL Variant Classification Criteria 13 December 2019. Collection method: clinical testing. Allele origin: germline.
Comment: This variant was observed in the ICSL laboratory as part of a predisposition screen in an ostensibly healthy population. It had not been previously curated by ICSL or reported in the Human Gene Mutation Database (HGMD: prior to June 1st, 2018), and was therefore a candidate for classification through an automated scoring system. Utilizing variant allele frequency, disease prevalence and penetrance estimates, and inheritance mode, an automated score was calculated to assess if this variant is too frequent to cause the disease. Based on the score and internal cut-off values, a variant classified as benign is not then subjected to further curation. The score for this variant resulted in a classification of benign for this disease.